The following is an entry in ClinVar:

NM_001369.3(DNAH5):c.9606-1G>A

Gene: DNAH5 (dynein axonemal heavy chain 5; minus strand). Cytogenetic location: 5p15.2.
Variant type: single nucleotide variant.
Coding change: c.9606-1G>A on transcript NM_001369.3 (MANE Select); the canonical splice acceptor site of the intron before coding-DNA position 9606, G replaced by A.
Molecular consequence: splice acceptor variant.
Genome position (GRCh38, 1-based): chr5:13,769,616, C>T on the plus strand (G>A on the coding strand, the complement: DNAH5 is on the minus strand). VCF-style: chr5-13769616-C-T. GRCh37 (hg19) VCF-style: chr5-13769725-C-T.
Identifiers: ClinVar variation 2754758 (VCV002754758.3), dbSNP rs1160531469, ClinGen allele CA359203382.

ClinVar aggregate classification (germline): Likely pathogenic (1 of 4 stars; one submission).

Conditions:
Primary ciliary dyskinesia. Also called: Ciliary dyskinesia. Identifiers: Orphanet 244, MedGen C0008780, MONDO:0016575, HP:0012265.

Allele frequency attached by ClinVar (database versions not stated): gnomAD 0.00001; TOPMed below 0.00001.
gnomAD v4.1: 1 of 1,612,716 alleles (0.000062%); highest among the groups gnomAD compares: Non-Finnish European, 0.000085%; no homozygotes.

Submission:

Labcorp Genetics (formerly Invitae), Labcorp
Classification: Likely pathogenic for Primary ciliary dyskinesia. Last evaluated: 2023-08-31. Review status: criteria provided, single submitter. Criteria: Invitae Variant Classification Sherloc (09022015). Collection method: clinical testing. Allele origin: germline.
Comment: This sequence change affects an acceptor splice site in intron 56 of the DNAH5 gene. It is expected to disrupt RNA splicing. Variants that disrupt the donor or acceptor splice site typically lead to a loss of protein function (PMID: 16199547), and loss-of-function variants in DNAH5 are known to be pathogenic (PMID: 11788826, 16627867). This variant is not present in population databases (gnomAD no frequency). This variant has not been reported in the literature in individuals affected with DNAH5-related conditions. Algorithms developed to predict the effect of sequence changes on RNA splicing suggest that this variant may disrupt the consensus splice site. In summary, the currently available evidence indicates that the variant is pathogenic, but additional data are needed to prove that conclusively. Therefore, this variant has been classified as Likely Pathogenic.

Literature cited by the submitters: PubMed 16199547; PubMed 11788826; PubMed 16627867.